The following is an entry in ClinVar:

ClinVar aggregate classification (germline): Uncertain significance. Review status: criteria provided, single submitter (1 of 4 stars). 2 submissions from 2 submitters: Uncertain significance (1). 1 of the submissions does not count toward it. Last evaluated 2022-06-04.

Conditions:
Hereditary insensitivity to pain with anhidrosis (CIPA). Also called: INSENSITIVITY TO PAIN, CONGENITAL, WITH ANHIDROSIS; FAMILIAL DYSAUTONOMIA, TYPE II; NEUROPATHY, CONGENITAL SENSORY, WITH ANHIDROSIS; hereditary sensory and autonomic neuropathy type 4; NTRK1 Congenital Insensitivity to Pain with Anhidrosis; HSAN Type IV. Identifiers: Orphanet 642, MedGen C0020074, MONDO:0009746, OMIM 256800.

Submissions (2):

Labcorp Genetics (formerly Invitae), Labcorp
Classification: Uncertain significance for Hereditary insensitivity to pain with anhidrosis. Last evaluated: 2022-06-04. Review status: criteria provided, single submitter. Criteria: Invitae Variant Classification Sherloc (09022015). Collection method: clinical testing. Allele origin: germline.
Comment: This sequence change replaces glycine, which is neutral and non-polar, with alanine, which is neutral and non-polar, at codon 47 of the NTRK1 protein (p.Gly47Ala). This variant is not present in population databases (gnomAD no frequency). This variant has not been reported in the literature in individuals affected with NTRK1-related conditions. ClinVar contains an entry for this variant (Variation ID: 526732). Advanced modeling of protein sequence and biophysical properties (such as structural, functional, and spatial information, amino acid conservation, physicochemical variation, residue mobility, and thermodynamic stability) performed at Invitae indicates that this missense variant is not expected to disrupt NTRK1 protein function. In summary, the available evidence is currently insufficient to determine the role of this variant in disease. Therefore, it has been classified as a Variant of Uncertain Significance.

Natera, Inc.
Classification: Uncertain significance for Hereditary insensitivity to pain with anhidrosis. Last evaluated: 2020-09-25. Review status: no assertion criteria provided. Collection method: clinical testing. Allele origin: germline. Not counted in ClinVar's aggregate classification.

NM_002529.4(NTRK1):c.140G>C (p.Gly47Ala)

Gene: NTRK1 (neurotrophic receptor tyrosine kinase 1; plus strand). Cytogenetic location: 1q23.1.
Variant type: single nucleotide variant.
Coding change: c.140G>C on transcript NM_002529.4 (MANE Select); coding-DNA position 140, G replaced by C.
Protein change: p.Gly47Ala; replaces glycine 47 with alanine.
Molecular consequence: missense variant. On other transcripts: intron variant (1).
Genome position (GRCh38, 1-based): chr1:156,861,074, G>C. VCF-style: chr1-156861074-G-C. GRCh37 (hg19) VCF-style: chr1-156830866-G-C.
Other names: c.140G>C, p.Gly47Ala (NM_001012331.2); c.123-3280G>C (NM_001007792.1); short protein forms G47A.
Identifiers: ClinVar variation 526732 (VCV000526732.13), dbSNP rs1553260399, ClinGen allele CA342929761.